The following is an entry in ClinVar:

ClinVar aggregate classification (germline): Conflicting classifications of pathogenicity. Review status: criteria provided, conflicting classifications (1 of 4 stars). 7 submissions from 7 submitters: Uncertain significance (3); Likely benign (2). 2 of the submissions do not count toward it. Last evaluated 2025-12-08.

Conditions:
Inborn genetic diseases. Identifiers: MedGen C0950123, MeSH D030342.
COL11A2-related disorder. Also called: COL11A2-related disorders; COL11A2-related condition.
Connective tissue disorder. Also called: Connective tissue disease. Identifiers: MedGen C0009782, MONDO:0003900.

Allele frequency attached by ClinVar (database versions not stated): ExAC 0.00002; gnomAD exomes 0.00003 and 0.00006; TOPMed 0.00004; gnomAD 0.00006; ESP Exome Variant Server 0.00008.
gnomAD v4.1: 90 of 1,613,934 alleles (0.0056%); highest among the groups gnomAD compares: Non-Finnish European, 0.0073%; no homozygotes.

Submissions (7):

Labcorp Genetics (formerly Invitae), Labcorp
Classification: Likely benign. Last evaluated: 2025-12-08. Review status: criteria provided, single submitter. Criteria: Invitae Variant Classification Sherloc (09022015). Collection method: clinical testing. Allele origin: germline.

Ambry Genetics
Classification: Uncertain significance for Inborn genetic diseases. Last evaluated: 2025-04-28. Review status: criteria provided, single submitter. Criteria: Ambry Variant Classification Scheme 2023. Collection method: clinical testing. Allele origin: germline.

PreventionGenetics, part of Exact Sciences
Classification: Uncertain significance for COL11A2-related condition. Last evaluated: 2024-12-18. Review status: criteria provided, single submitter. Criteria: ACMG Guidelines, 2015. Collection method: clinical testing. Allele origin: germline.
Comment: The COL11A2 c.2560G>A variant is predicted to result in the amino acid substitution p.Ala854Thr. To our knowledge, this variant has not been reported in the literature. This variant is reported in 0.0054% of alleles in individuals of European (Non-Finnish) descent in gnomAD. At this time, the clinical significance of this variant is uncertain due to the absence of conclusive functional and genetic evidence.

GeneDx
Classification: Uncertain significance. Last evaluated: 2024-05-22. Review status: criteria provided, single submitter. Criteria: GeneDx Variant Classification Process June 2021. Collection method: clinical testing. Allele origin: germline. Affected: yes.
Comment: Has not been previously published as pathogenic or benign to our knowledge; In silico analysis supports that this missense variant does not alter protein structure/function

Center for Human Genetics, Inc
Classification: Likely benign for Connective tissue disorder. Last evaluated: 2016-11-01. Review status: criteria provided, single submitter. Criteria: ACMG Guidelines, 2015. Collection method: clinical testing. Allele origin: germline. Affected: yes.

Clinical Genetics DNA and cytogenetics Diagnostics Lab, Erasmus MC, Erasmus Medical Center
Classification: Uncertain significance. Review status: no assertion criteria provided. Collection method: clinical testing. Allele origin: germline. Affected: yes. Study: VKGL Data-share Consensus. Not counted in ClinVar's aggregate classification.

Joint Genome Diagnostic Labs from Nijmegen and Maastricht, Radboudumc and MUMC+
Classification: Uncertain significance. Review status: no assertion criteria provided. Collection method: clinical testing. Allele origin: germline. Affected: yes. Study: VKGL Data-share Consensus. Not counted in ClinVar's aggregate classification.

NM_080680.3(COL11A2):c.2560G>A (p.Ala854Thr)

Gene: COL11A2 (collagen type XI alpha 2 chain; minus strand). Cytogenetic location: 6p21.32.
Variant type: single nucleotide variant.
Coding change: c.2560G>A on transcript NM_080680.3 (MANE Select); coding-DNA position 2560, G replaced by A.
Protein change: p.Ala854Thr; replaces alanine 854 with threonine.
Molecular consequence: missense variant.
Genome position (GRCh38, 1-based): chr6:33,173,896, C>T on the plus strand (G>A on the coding strand, the complement: COL11A2 is on the minus strand). VCF-style: chr6-33173896-C-T. GRCh37 (hg19) VCF-style: chr6-33141673-C-T.
Other names: c.2239G>A, p.Ala747Thr (NM_080679.3); c.2302G>A, p.Ala768Thr (NM_080681.3); short protein forms A854T, A768T, A747T.
Identifiers: ClinVar variation 547219 (VCV000547219.16), dbSNP rs371864924, ClinGen allele CA3750845.
Genomic context (GRCh38, chr6:33,173,896, plus strand): 5'-GGCAGGGGGCAGTTGGAGCCTTGTAGAGACCATTCACCTTAGCTCCAGACTTCCCAGTGG[C>T]ACCTCGGGGTCCCCGCTGACCCCGTGGACCCTACAGAGGGAAGAGGAGTTGTCAGAGAAA-3'
Protein context (NP_542411.2, residues 844-864): GPRGQRGPRG[Ala854Thr]TGKSGAKGTS